The following is an entry in ClinVar:

ClinVar aggregate classification (germline): Uncertain significance. Review status: criteria provided, multiple submitters, no conflicts (2 of 4 stars). 2 submissions from 2 submitters: Uncertain significance (2). Last evaluated 2025-08-24.

Conditions:
Cardiovascular phenotype. Identifiers: MedGen CN230736.
Primary dilated cardiomyopathy (DCM). Also called: Dilated Cardiomyopathy. Identifiers: Orphanet 217604, MedGen C0007193, MeSH D002311, MONDO:0005021, HP:0001644. Inheritance: Various modes of inheritance.

Allele frequency attached by ClinVar (database versions not stated): gnomAD 0.00001; ExAC 0.00002; TOPMed 0.00002; gnomAD exomes 0.00004 and 0.00005.

Submissions (2):

Labcorp Genetics (formerly Invitae), Labcorp
Classification: Uncertain significance for Primary dilated cardiomyopathy. Last evaluated: 2025-08-24. Review status: criteria provided, single submitter. Criteria: Invitae Variant Classification Sherloc (09022015). Collection method: clinical testing. Allele origin: germline.
Comment: This sequence change replaces arginine, which is basic and polar, with tryptophan, which is neutral and slightly polar, at codon 79 of the TXNRD2 protein (p.Arg79Trp). This variant is present in population databases (rs762060966, gnomAD 0.01%). This variant has not been reported in the literature in individuals affected with TXNRD2-related conditions. ClinVar contains an entry for this variant (Variation ID: 1490788). An algorithm developed to predict the effect of missense changes on protein structure and function (PolyPhen-2) suggests that this variant is likely to be disruptive. In summary, the available evidence is currently insufficient to determine the role of this variant in disease. Therefore, it has been classified as a Variant of Uncertain Significance.

Ambry Genetics
Classification: Uncertain significance for Cardiovascular phenotype. Last evaluated: 2025-02-09. Review status: criteria provided, single submitter. Criteria: Ambry Variant Classification Scheme 2023. Collection method: clinical testing. Allele origin: germline.
Comment: The p.R79W variant (also known as c.235C>T), located in coding exon 4 of the TXNRD2 gene, results from a C to T substitution at nucleotide position 235. The arginine at codon 79 is replaced by tryptophan, an amino acid with dissimilar properties. This amino acid position is well conserved in available vertebrate species. In addition, this alteration is predicted to be tolerated by in silico analysis. Since supporting evidence is limited at this time, the clinical significance of this alteration remains unclear.

NM_006440.5(TXNRD2):c.235C>T (p.Arg79Trp)

Gene: TXNRD2 (thioredoxin reductase 2; minus strand). Cytogenetic location: 22q11.21.
Variant type: single nucleotide variant.
Coding change: c.235C>T on transcript NM_006440.5 (MANE Select); coding-DNA position 235, C replaced by T.
Protein change: p.Arg79Trp; replaces arginine 79 with tryptophan.
Molecular consequence: missense variant. On other transcripts: 5 prime UTR variant (1), non-coding transcript variant (1).
Genome position (GRCh38, 1-based): chr22:19,918,999, G>A on the plus strand (C>T on the coding strand, the complement: TXNRD2 is on the minus strand). VCF-style: chr22-19918999-G-A. GRCh37 (hg19) VCF-style: chr22-19906522-G-A.
Other names: c.235C>T, p.Arg79Trp (NM_001282512.3); c.232C>T, p.Arg78Trp (NM_001352300.2); c.145C>T, p.Arg49Trp (NM_001352301.2); c.-54C>T (NM_001352302.2); c.139C>T, p.Arg47Trp (NM_001352303.2); short protein forms R79W, R49W, R47W, R78W.
Identifiers: ClinVar variation 1490788 (VCV001490788.11), dbSNP rs762060966, ClinGen allele CA10104283.